The following is an entry in ClinVar:

ClinVar aggregate classification (germline): Likely benign. Review status: criteria provided, multiple submitters, no conflicts (2 of 4 stars). 2 submissions from 2 submitters: Likely benign (2). Last evaluated 2025-11-04.

Conditions:
Sandhoff disease. Also called: GM2-GANGLIOSIDOSIS, TYPE II; HEXOSAMINIDASES A AND B DEFICIENCY; Beta-hexosaminidase-beta-subunit deficiency; GM2 gangliosidosis, type 2; Total hexosaminidase deficiency; Sandhoff-Jatzkewitz-Pilz disease. Identifiers: Orphanet 796, MedGen C0036161, MONDO:0010006, OMIM 268800.

Allele frequency attached by ClinVar (database versions not stated): gnomAD exomes 0.00002 and 0.00004; ExAC 0.00003; TOPMed 0.00010; gnomAD 0.00012; ESP Exome Variant Server 0.00023.
gnomAD v4.1: 50 of 1,614,094 alleles (0.0031%); highest among the groups gnomAD compares: African/African-American, 0.043%; no homozygotes.

Submissions (2):

Labcorp Genetics (formerly Invitae), Labcorp
Classification: Likely benign for Sandhoff disease. Last evaluated: 2025-11-04. Review status: criteria provided, single submitter. Criteria: Invitae Variant Classification Sherloc (09022015). Collection method: clinical testing. Allele origin: germline.

CeGaT Center for Human Genetics Tuebingen
Classification: Likely benign. Last evaluated: 2024-07-01. Review status: criteria provided, single submitter. Criteria: CeGaT Center For Human Genetics Tuebingen Variant Classification Criteria Version 2. Collection method: clinical testing. Allele origin: germline. Affected: yes. Observed: 2 variant alleles.
Comment: HEXB: BP4, BP7

NM_000521.4(HEXB):c.1536A>G (p.Arg512=)

Gene: HEXB (hexosaminidase subunit beta; plus strand). Cytogenetic location: 5q13.3.
Variant type: single nucleotide variant.
Coding change: c.1536A>G on transcript NM_000521.4 (MANE Select); coding-DNA position 1536, A replaced by G.
Protein change: p.Arg512=; no amino-acid change (arginine 512 retained).
Molecular consequence: synonymous variant.
Genome position (GRCh38, 1-based): chr5:74,720,670, A>G. VCF-style: chr5-74720670-A-G. GRCh37 (hg19) VCF-style: chr5-74016495-A-G.
Other names: c.861A>G, p.Arg287= (NM_001292004.2).
Identifiers: ClinVar variation 1083141 (VCV001083141.31), dbSNP rs139971120, ClinGen allele CA3306195.